The following is an entry in ClinVar:

ClinVar aggregate classification (germline): Uncertain significance. Review status: criteria provided, multiple submitters, no conflicts (2 of 4 stars). 2 submissions from 2 submitters: Uncertain significance (2). Last evaluated 2025-06-04.

Conditions:
Progressive sclerosing poliodystrophy (MTDPS4A). Also called: NEURONAL DEGENERATION OF CHILDHOOD WITH LIVER DISEASE, PROGRESSIVE; Alpers Syndrome; ALPERS DIFFUSE DEGENERATION OF CEREBRAL GRAY MATTER WITH HEPATIC CIRRHOSIS; Alpers-Huttenlocher Syndrome; Mitochondrial DNA depletion syndrome 4A (Alpers type); Mitochondrial DNA Depletion Syndrome 4A. Identifiers: Orphanet 726, MedGen C0205710, MONDO:0008758, OMIM 203700.

Submissions (2):

Women's Health and Genetics/Laboratory Corporation of America, LabCorp
Classification: Uncertain significance. Last evaluated: 2025-06-04. Review status: criteria provided, single submitter. Criteria: LabCorp Variant Classification Summary - May 2015. Collection method: clinical testing. Allele origin: germline.
Comment: Variant summary: POLG c.695G>C (p.Arg232Pro) results in a non-conservative amino acid change in the encoded protein sequence. Algorithms developed to predict the effect of missense changes on protein structure and function all suggest that this variant is likely to be disruptive. The variant was absent in 248466 control chromosomes. The available data on variant occurrences in the general population are insufficient to allow any conclusion about variant significance. To our knowledge, no occurrence of c.695G>C in individuals affected with Mitochondrial DNA Depletion Syndrome - POLG Related and no experimental evidence demonstrating its impact on protein function have been reported. ClinVar contains an entry for this variant (Variation ID: 1351598). Based on the evidence outlined above, the variant was classified as uncertain significance.

Labcorp Genetics (formerly Invitae), Labcorp
Classification: Uncertain significance for Progressive sclerosing poliodystrophy. Last evaluated: 2022-08-10. Review status: criteria provided, single submitter. Criteria: Invitae Variant Classification Sherloc (09022015). Collection method: clinical testing. Allele origin: germline.
Comment: In summary, the available evidence is currently insufficient to determine the role of this variant in disease. Therefore, it has been classified as a Variant of Uncertain Significance. This variant disrupts the p.Arg232 amino acid residue in POLG. Other variant(s) that disrupt this residue have been observed in individuals with POLG-related conditions (PMID: 15689359, 16896309, 20513922, 28471437), which suggests that this may be a clinically significant amino acid residue. Algorithms developed to predict the effect of missense changes on protein structure and function are either unavailable or do not agree on the potential impact of this missense change (SIFT: "Tolerated"; PolyPhen-2: "Probably Damaging"; Align-GVGD: "Class C0"). ClinVar contains an entry for this variant (Variation ID: 1351598). This variant has not been reported in the literature in individuals affected with POLG-related conditions. This variant is not present in population databases (gnomAD no frequency). This sequence change replaces arginine, which is basic and polar, with proline, which is neutral and non-polar, at codon 232 of the POLG protein (p.Arg232Pro).

Literature cited by the submitters: PubMed 15689359 (cited by Labcorp Genetics (formerly Invitae), Labcorp); PubMed 16896309 (cited by Labcorp Genetics (formerly Invitae), Labcorp); PubMed 20513922 (cited by Labcorp Genetics (formerly Invitae), Labcorp); PubMed 28471437 (cited by Labcorp Genetics (formerly Invitae), Labcorp).

NM_002693.3(POLG):c.695G>C (p.Arg232Pro)

Genes: POLG (DNA polymerase gamma, catalytic subunit; minus strand), POLGARF (POLG alternative reading frame; minus strand). Cytogenetic location: 15q26.1.
Variant type: single nucleotide variant.
Coding change: c.695G>C on transcript NM_002693.3 (MANE Select); coding-DNA position 695, G replaced by C.
Protein change: p.Arg232Pro; replaces arginine 232 with proline.
Molecular consequence: missense variant.
Genome position (GRCh38, 1-based): chr15:89,330,241, C>G on the plus strand (G>C on the coding strand, the complement: POLG is on the minus strand). VCF-style: chr15-89330241-C-G. GRCh37 (hg19) VCF-style: chr15-89873472-C-G.
Other names: c.695G>C, p.Arg232Pro (NM_001126131.2); short protein forms R232P.
Identifiers: ClinVar variation 1351598 (VCV001351598.9), dbSNP rs113994093, ClinGen allele CA393767197.